The following is an entry in ClinVar:

ClinVar aggregate classification (germline): Uncertain significance (1 of 4 stars; one submission).

Conditions:
Familial adenomatous polyposis 1 (FAP1). Also called: FAMILIAL ADENOMATOUS POLYPOSIS 1, ATTENUATED; POLYPOSIS, ADENOMATOUS INTESTINAL. Identifiers: MedGen C2713442, MONDO:0021056, OMIM 175100. Disease mechanism: loss of function.

gnomAD v4.1: 1 of 1,369,756 alleles (0.000073%); no homozygotes.

Submission:

Labcorp Genetics (formerly Invitae), Labcorp
Classification: Uncertain significance for Familial adenomatous polyposis 1. Last evaluated: 2025-10-27. Review status: criteria provided, single submitter. Criteria: Invitae Variant Classification Sherloc (09022015). Collection method: clinical testing. Allele origin: germline.
Comment: This variant occurs in a non-coding region of the APC gene. It does not change the encoded amino acid sequence of the APC protein. This variant is not present in population databases (gnomAD no frequency). This variant has not been reported in the literature in individuals affected with APC-related conditions. Experimental studies and prediction algorithms are not available or were not evaluated, and the functional significance of this variant is currently unknown. In summary, the available evidence is currently insufficient to determine the role of this variant in disease. Therefore, it has been classified as a Variant of Uncertain Significance.

NM_001127511.3(APC):c.145C>T (p.His49Tyr)

Gene: APC (APC regulator of Wnt signaling pathway; plus strand). Cytogenetic location: 5q22.2.
Variant type: single nucleotide variant.
Coding change: c.145C>T on transcript NM_001127511.3; coding-DNA position 145, C replaced by T.
Protein change: p.His49Tyr; replaces histidine 49 with tyrosine.
Molecular consequence: missense variant. On other transcripts: 5 prime UTR variant (8), non-coding transcript variant (1), intron variant (5).
Genome position (GRCh38, 1-based): chr5:112,707,862, C>T. VCF-style: chr5-112707862-C-T. GRCh37 (hg19) VCF-style: chr5-112043559-C-T.
Other names: c.-39C>T (NM_001407452.1, NM_001407456.1, NM_001407460.1 and 3 more transcripts); c.-1074C>T (NM_001407470.1, NM_001407472.1); c.-19+213C>T (NM_001407448.1, NM_001407450.1, NM_001407457.1 and 1 more transcripts); c.-43+213C>T (NM_001407453.1); c.145C>T, p.His49Tyr (NM_001354897.2, NM_001354902.2, NM_001407446.1); short protein forms H49Y.
Identifiers: ClinVar variation 1042946 (VCV001042946.7), dbSNP rs933496509, ClinGen allele CA124925242.